The following is an entry in ClinVar:

ClinVar aggregate classification (germline): Likely benign (1 of 4 stars; one submission).

Submission:

CeGaT Center for Human Genetics Tuebingen
Classification: Likely benign. Last evaluated: 2026-05-01. Review status: criteria provided, single submitter. Criteria: CeGaT Center For Human Genetics Tuebingen Variant Classification Criteria Version 2. Collection method: clinical testing. Allele origin: germline. Affected: yes. Observed: 2 variant alleles.
Comment: CHD4: PM2:Supporting, BP4, BP7

NM_001273.5(CHD4):c.4155T>C (p.Arg1385=)

Genes: CHD4 (chromodomain helicase DNA binding protein 4; minus strand), CHD4-AS1 (CHD4 antisense RNA 1; plus strand). Cytogenetic location: 12p13.31.
Variant type: single nucleotide variant.
Coding change: c.4155T>C on transcript NM_001273.5 (MANE Select); coding-DNA position 4155, T replaced by C.
Protein change: p.Arg1385=; no amino-acid change (arginine 1385 retained).
Molecular consequence: synonymous variant. On other transcripts: non-coding transcript variant (2).
Genome position (GRCh38, 1-based): chr12:6,582,929, A>G on the plus strand (T>C on the coding strand, the complement: CHD4 is on the minus strand). VCF-style: chr12-6582929-A-G. GRCh37 (hg19) VCF-style: chr12-6692095-A-G.
Other names: c.4134T>C, p.Arg1378= (NM_001297553.2); c.4116T>C, p.Arg1372= (NM_001363606.2).
Identifiers: ClinVar variation 4873103 (VCV004873103.2).